The following is an entry in ClinVar:

NM_023036.6(DNAI2):c.1202T>C (p.Met401Thr)

Gene: DNAI2 (dynein axonemal intermediate chain 2; plus strand). Cytogenetic location: 17q25.1.
Variant type: single nucleotide variant.
Coding change: c.1202T>C on transcript NM_023036.6 (MANE Select); coding-DNA position 1202, T replaced by C.
Protein change: p.Met401Thr; replaces methionine 401 with threonine.
Molecular consequence: missense variant. On other transcripts: non-coding transcript variant (1).
Genome position (GRCh38, 1-based): chr17:74,305,433, T>C. VCF-style: chr17-74305433-T-C. GRCh37 (hg19) VCF-style: chr17-72301572-T-C.
Other names: c.1202T>C, p.Met401Thr (NM_001172810.3, NM_001353167.2); short protein forms M401T.
Identifiers: ClinVar variation 454931 (VCV000454931.7), dbSNP rs146769635, ClinGen allele CA8745633.

ClinVar aggregate classification (germline): Conflicting classifications of pathogenicity. Review status: criteria provided, conflicting classifications (1 of 4 stars). 3 submissions from 3 submitters: Uncertain significance (1); Likely benign (1). 1 of the submissions does not count toward it. Last evaluated 2022-07-10.

Conditions:
Primary ciliary dyskinesia. Also called: Ciliary dyskinesia. Identifiers: Orphanet 244, MedGen C0008780, MONDO:0016575, HP:0012265.

Allele frequency attached by ClinVar (database versions not stated): gnomAD exomes 0.00003 and 0.00006; ExAC 0.00007; gnomAD 0.00013 and 0.00014; ESP Exome Variant Server 0.00015; TOPMed 0.00015; 1000 Genomes Project 30x 0.00016; 1000 Genomes Project 0.00020.
gnomAD v4.1: 72 of 1,613,944 alleles (0.0045%); highest among the groups gnomAD compares: African/African-American, 0.072%; no homozygotes.

Submissions (3):

Ambry Genetics
Classification: Likely benign for Primary ciliary dyskinesia. Last evaluated: 2022-07-10. Review status: criteria provided, single submitter. Criteria: Ambry Variant Classification Scheme 2023. Collection method: clinical testing. Allele origin: germline.

Labcorp Genetics (formerly Invitae), Labcorp
Classification: Uncertain significance for Primary ciliary dyskinesia. Last evaluated: 2022-02-09. Review status: criteria provided, single submitter. Criteria: Invitae Variant Classification Sherloc (09022015). Collection method: clinical testing. Allele origin: germline.
Comment: This sequence change replaces methionine, which is neutral and non-polar, with threonine, which is neutral and polar, at codon 401 of the DNAI2 protein (p.Met401Thr). This variant is present in population databases (rs146769635, gnomAD 0.06%). This variant has not been reported in the literature in individuals affected with DNAI2-related conditions. ClinVar contains an entry for this variant (Variation ID: 454931). Algorithms developed to predict the effect of missense changes on protein structure and function are either unavailable or do not agree on the potential impact of this missense change (SIFT: "Deleterious"; PolyPhen-2: "Benign"; Align-GVGD: "Class C0"). In summary, the available evidence is currently insufficient to determine the role of this variant in disease. Therefore, it has been classified as a Variant of Uncertain Significance.

Natera, Inc.
Classification: Uncertain significance for Primary ciliary dyskinesia. Last evaluated: 2019-10-28. Review status: no assertion criteria provided. Collection method: clinical testing. Allele origin: germline. Not counted in ClinVar's aggregate classification.